The following is an entry in ClinVar:

ClinVar aggregate classification (germline): Uncertain significance (1 of 4 stars; one submission).

gnomAD v4.1: 1 of 1,613,988 alleles (0.000062%); highest among the groups gnomAD compares: African/African-American, 0.0013%; no homozygotes.

Submission:

Labcorp Genetics (formerly Invitae), Labcorp
Classification: Uncertain significance. Last evaluated: 2025-05-01. Review status: criteria provided, single submitter. Criteria: Invitae Variant Classification Sherloc (09022015). Collection method: clinical testing. Allele origin: germline.
Comment: This sequence change replaces proline, which is neutral and non-polar, with serine, which is neutral and polar, at codon 760 of the VCAN protein (p.Pro760Ser). This variant is not present in population databases (gnomAD no frequency). This variant has not been reported in the literature in individuals affected with VCAN-related conditions. An algorithm developed to predict the effect of missense changes on protein structure and function outputs the following: PolyPhen-2: "Benign". The serine amino acid residue is found in multiple mammalian species, which suggests that this missense change does not adversely affect protein function. In summary, the available evidence is currently insufficient to determine the role of this variant in disease. Therefore, it has been classified as a Variant of Uncertain Significance.

NM_004385.5(VCAN):c.2278C>T (p.Pro760Ser)

Gene: VCAN (versican; plus strand). Cytogenetic location: 5q14.3.
Variant type: single nucleotide variant.
Coding change: c.2278C>T on transcript NM_004385.5 (MANE Select); coding-DNA position 2278, C replaced by T.
Protein change: p.Pro760Ser; replaces proline 760 with serine.
Molecular consequence: missense variant. On other transcripts: intron variant (2).
Genome position (GRCh38, 1-based): chr5:83,520,584, C>T. VCF-style: chr5-83520584-C-T. GRCh37 (hg19) VCF-style: chr5-82816403-C-T.
Other names: c.2278C>T, p.Pro760Ser (NM_001164098.2); c.1042+8188C>T (NM_001164097.2, NM_001126336.3); short protein forms P760S.
Identifiers: ClinVar variation 4808065 (VCV004808065.1).